The following is an entry in ClinVar:

NM_000256.3(MYBPC3):c.2670G>A (p.Trp890Ter)

Gene: MYBPC3 (myosin binding protein C3; minus strand). Cytogenetic location: 11p11.2.
Variant type: single nucleotide variant.
Coding change: c.2670G>A on transcript NM_000256.3 (MANE Select); coding-DNA position 2670, G replaced by A.
Protein change: p.Trp890Ter; replaces tryptophan 890 with a stop codon.
Molecular consequence: nonsense.
Genome position (GRCh38, 1-based): chr11:47,335,944, C>T on the plus strand (G>A on the coding strand, the complement: MYBPC3 is on the minus strand). VCF-style: chr11-47335944-C-T. GRCh37 (hg19) VCF-style: chr11-47357495-C-T.
Other names: p.W890*:TGG>TGA; p.Trp890*; short protein forms W890*.
Identifiers: ClinVar variation 42650 (VCV000042650.32), dbSNP rs397515982, ClinGen allele CA012809.

ClinVar aggregate classification (germline): Pathogenic/Likely pathogenic. Review status: criteria provided, multiple submitters, no conflicts (2 of 4 stars). 13 submissions from 12 submitters: Pathogenic (12); Likely pathogenic (1). Last evaluated 2026-01-26.

Conditions:
Primary dilated cardiomyopathy (DCM). Also called: Dilated Cardiomyopathy. Identifiers: Orphanet 217604, MedGen C0007193, MeSH D002311, MONDO:0005021, HP:0001644. Inheritance: Various modes of inheritance.
Hypertrophic cardiomyopathy 4. Also called: Familial hypertrophic cardiomyopathy 4. Identifiers: MedGen C1861862, MONDO:0007268, OMIM 115197.
Left ventricular noncompaction 1 (LVNC1). Also called: LEFT VENTRICULAR NONCOMPACTION 1 WITH OR WITHOUT CONGENITAL HEART DEFECTS. Identifiers: Orphanet 54260, MedGen C1858725, MONDO:0011403, OMIM 604169.
Left ventricular noncompaction 10 (LVNC10). Identifiers: Orphanet 154, Orphanet 54260, MedGen C3715165, MONDO:0014163, OMIM 615396.
Cardiomyopathy (CMYO). Also called: Cardiomyopathies. Identifiers: Orphanet 167848, MedGen C0878544, MONDO:0004994, HP:0001638. Inheritance: Various modes of inheritance.
Hypertrophic cardiomyopathy 1 (CMH1). Also called: MYH7-Related Familial Hypertrophic Cardiomyopathy; Familial hypertrophic cardiomyopathy 1. Identifiers: MedGen C3495498, MONDO:0008647, OMIM 192600.
Hypertrophic cardiomyopathy. Also called: HYPERTROPHIC MYOCARDIOPATHY. Identifiers: Orphanet 217569, MedGen C0007194, MeSH D002312, MONDO:0005045, HP:0001639.

Allele frequency attached by ClinVar (database versions not stated): TOPMed 0.00001.

Submissions (13):

Labcorp Genetics (formerly Invitae), Labcorp
Classification: Pathogenic for Hypertrophic cardiomyopathy. Last evaluated: 2026-01-26. Review status: criteria provided, single submitter. Criteria: Invitae Variant Classification Sherloc (09022015). Collection method: clinical testing. Allele origin: germline.
Comment: This sequence change creates a premature translational stop signal (p.Trp890*) in the MYBPC3 gene. It is expected to result in an absent or disrupted protein product. Loss-of-function variants in MYBPC3 are known to be pathogenic (PMID: 19574547). This variant is not present in population databases (gnomAD no frequency). This premature translational stop signal has been observed in individual(s) with hypertrophic cardiomyopathy (HCM) (PMID: 15114369, 15519027, 18533079, 18957093, 22857948). It has also been observed to segregate with disease in related individuals. ClinVar contains an entry for this variant (Variation ID: 42650). For these reasons, this variant has been classified as Pathogenic.

All of Us Research Program, National Institutes of Health
Classification: Pathogenic for Hypertrophic cardiomyopathy. Last evaluated: 2023-07-19. Review status: criteria provided, single submitter. Criteria: ACMG Guidelines, 2015. Collection method: clinical testing. Allele origin: germline. Inheritance: Autosomal dominant inheritance. Observed: 1 variant allele, 1 heterozygote.
Comment: This variant changes 1 nucleotide in exon 26 of the MYBPC3 gene, creating a premature translation stop signal. This variant is expected to result in an absent or non-functional protein product. This variant has been reported in more than ten unrelated individuals affected with hypertrophic cardiomyopathy (PMID: 15519027, 22857948, 24510615, 24793961, 27532257, 33673806, 33495596, 35411935, 35581268) and in two affected individuals in one family (PMID: 18957093). This variant has not been identified in the general population by the Genome Aggregation Database (gnomAD). Loss of MYBPC3 function is a known mechanism of disease. Based on the available evidence, this variant is classified as Pathogenic.

This study involves interpretation of variants in research participants for the purpose of population health screening. Participant phenotype was not available at the time of variant classification. Additional details can be found in publication PMID: 35346344, PMCID: PMC8962531

Color Diagnostics, LLC DBA Color Health
Classification: Pathogenic for Cardiomyopathy. Last evaluated: 2023-05-09. Review status: criteria provided, single submitter. Criteria: ACMG Guidelines, 2015. Collection method: clinical testing. Allele origin: germline.
Comment: This variant changes 1 nucleotide in exon 26 of the MYBPC3 gene, creating a premature translation stop signal. This variant is expected to result in an absent or non-functional protein product. This variant has been reported in more than ten unrelated individuals affected with hypertrophic cardiomyopathy (PMID: 15519027, 22857948, 24510615, 24793961, 27532257, 33673806, 33495596, 35411935, 35581268) and in two affected individuals in one family (PMID: 18957093). This variant has not been identified in the general population by the Genome Aggregation Database (gnomAD). Loss of MYBPC3 function is a known mechanism of disease. Based on the available evidence, this variant is classified as Pathogenic.

GeneDx
Classification: Pathogenic. Last evaluated: 2022-08-05. Review status: criteria provided, single submitter. Criteria: GeneDx Variant Classification Process June 2021. Collection method: clinical testing. Allele origin: germline. Affected: yes.
Comment: Identified in a patient with phenotypic features of both HCM and LVNC on cardiac imaging (Goncalves et al., 2022); Not observed in large population cohorts (gnomAD); Expression studies using patient heart tissue suggest that the p.(W890X) transcript is subject to nonsense-mediated mRNA decay (Helms et al., 2014); Nonsense variant predicted to result in protein truncation or nonsense mediated decay in a gene for which loss-of-function is a known mechanism of disease; This variant is associated with the following publications: (PMID: 15519027, 24510615, 25525159, 21415409, 18957093, 22857948, 27532257, 27688314, 25031304, 26265630, 33673806, 34542152, 22112859, 31447099, 35411935)

Clinical Genetics Laboratory, Skane University Hospital Lund
Classification: Pathogenic. Last evaluated: 2022-07-07. Review status: criteria provided, single submitter. Criteria: ACMG Guidelines, 2015. Collection method: clinical testing. Allele origin: germline. Affected: yes.

Baylor Genetics
Classification: Pathogenic for Hypertrophic cardiomyopathy 1. Last evaluated: 2022-02-22. Review status: criteria provided, single submitter. Criteria: ACMG Guidelines, 2015. Collection method: clinical testing. Allele origin: unknown.

Baylor Genetics
Classification: Pathogenic for Left ventricular noncompaction 10. Last evaluated: 2022-02-22. Review status: criteria provided, single submitter. Criteria: ACMG Guidelines, 2015. Collection method: clinical testing. Allele origin: unknown.

Fulgent Genetics
Classification: Pathogenic for Hypertrophic cardiomyopathy 4; Left ventricular noncompaction 10. Last evaluated: 2021-10-12. Review status: criteria provided, single submitter. Criteria: ACMG Guidelines, 2015. Collection method: clinical testing. Allele origin: unknown.

Mayo Clinic Laboratories, Mayo Clinic
Classification: Pathogenic. Last evaluated: 2021-08-30. Review status: criteria provided, single submitter. Criteria: ACMG Guidelines, 2015. Collection method: clinical testing. Allele origin: germline.
Comment: PVS1, PS4, PM2

Institute of Human Genetics, University of Leipzig Medical Center
Classification: Pathogenic for Hypertrophic cardiomyopathy. Last evaluated: 2021-08-25. Review status: criteria provided, single submitter. Criteria: ACMG Guidelines, 2015. Collection method: clinical testing. Allele origin: unknown.

Laboratory for Molecular Medicine, Mass General Brigham Personalized Medicine
Classification: Pathogenic for Hypertrophic cardiomyopathy. Last evaluated: 2017-11-28. Review status: criteria provided, single submitter. Criteria: LMM Criteria. Collection method: clinical testing. Allele origin: germline. Inheritance: Autosomal dominant inheritance. Observed: 21 variant alleles.
Comment: The p.Trp890X variant in MYBPC3 has been reported in >10 individuals with HCM an d segregated with disease in at least 5 affected relatives (Van Driest 2004, Ehl ermann 2008, LMM data). It was absent from large population studies. This varian t has also been reported by other clinical laboratories in ClinVar (Variation ID 42650). This nonsense variant leads to a premature termination codon at positio n 890, which is predicted to lead to a truncated or absent protein. Heterozygous loss of MYBPC3 function is an established disease mechanism in HCM. In summary, the p.Trp890X variant meets criteria to be classified as pathogenic for HCM in an autosomal dominant manner based on upon segregation studies and the predicted impact to the protein. ACMG/AMP criteria applied: PVS1, PS4, PP1_Moderate.

Molecular Diagnostic Laboratory for Inherited Cardiovascular Disease, Montreal Heart Institute
Classification: Pathogenic. Last evaluated: 2016-05-11. Review status: criteria provided, single submitter. Criteria: ACMG Guidelines, 2015. Collection method: clinical testing. Allele origin: germline. Affected: yes.

Stanford Center for Inherited Cardiovascular Disease, Stanford University
Classification: Likely pathogenic. Review status: criteria provided, single submitter. Criteria: ACMG Guidelines, 2015. Collection method: provider interpretation. Allele origin: germline.

Literature cited by the submitters: PubMed 19574547 (cited by Labcorp Genetics (formerly Invitae), Labcorp); PubMed 15114369 (cited by Labcorp Genetics (formerly Invitae), Labcorp); PubMed 15519027 (cited by 5 submitters); PubMed 18533079 (cited by Labcorp Genetics (formerly Invitae), Labcorp); PubMed 18957093 (cited by 5 submitters); PubMed 22857948 (cited by 4 submitters); PubMed 24510615 (cited by All of Us Research Program, National Institutes of Health and Color Diagnostics, LLC DBA Color Health); PubMed 24793961 (cited by All of Us Research Program, National Institutes of Health and Color Diagnostics, LLC DBA Color Health); PubMed 27532257 (cited by 3 submitters); PubMed 33495596 (cited by All of Us Research Program, National Institutes of Health and Color Diagnostics, LLC DBA Color Health); PubMed 33673806 (cited by 3 submitters); PubMed 35411935 (cited by All of Us Research Program, National Institutes of Health and Color Diagnostics, LLC DBA Color Health); PubMed 35581268 (cited by All of Us Research Program, National Institutes of Health and Color Diagnostics, LLC DBA Color Health); PubMed 25031304 (cited by Mayo Clinic Laboratories, Mayo Clinic and Laboratory for Molecular Medicine, Mass General Brigham Personalized Medicine).